The following is an entry in ClinVar:

NM_152564.5(VPS13B):c.8804T>C (p.Leu2935Pro)

Gene: VPS13B (vacuolar protein sorting 13 homolog B; plus strand). Cytogenetic location: 8q22.2.
Variant type: single nucleotide variant.
Coding change: c.8804T>C on transcript NM_152564.5 (MANE Select); coding-DNA position 8804, T replaced by C.
Protein change: p.Leu2935Pro; replaces leucine 2935 with proline.
Molecular consequence: missense variant.
Genome position (GRCh38, 1-based): chr8:99,819,932, T>C. VCF-style: chr8-99819932-T-C. GRCh37 (hg19) VCF-style: chr8-100832160-T-C.
Other names: c.8879T>C, p.Leu2960Pro (NM_017890.5); c.8879T>C (NM_017890.3); short protein forms L2935P, L2960P.
Identifiers: ClinVar variation 2078999 (VCV002078999.5), dbSNP rs997838899, ClinGen allele CA182329100.

ClinVar aggregate classification (germline): Uncertain significance. Review status: criteria provided, multiple submitters, no conflicts (2 of 4 stars). 3 submissions from 3 submitters: Uncertain significance (3). Last evaluated 2025-03-28.

Conditions:
Cohen syndrome (COH1). Also called: Cutis verticis gyrata, retinitis pigmentosa, and sensorineural deafness; PEPPER SYNDROME. Identifiers: Orphanet 193, MedGen C0265223, MONDO:0008999, OMIM 216550.
VPS13B-related disorder. Also called: VPS13B-related condition.
Inborn genetic diseases. Identifiers: MedGen C0950123, MeSH D030342.

Allele frequency attached by ClinVar (database versions not stated): gnomAD exomes below 0.00001; gnomAD 0.00001; TOPMed 0.00003.
gnomAD v4.1: 2 of 1,613,860 alleles (0.00012%); highest among the groups gnomAD compares: Admixed American, 0.0033%; no homozygotes.

Submissions (3):

Ambry Genetics
Classification: Uncertain significance for Inborn genetic diseases. Last evaluated: 2025-03-28. Review status: criteria provided, single submitter. Criteria: Ambry Variant Classification Scheme 2023. Collection method: clinical testing. Allele origin: germline.

PreventionGenetics, part of Exact Sciences
Classification: Uncertain significance for VPS13B-related condition. Last evaluated: 2025-03-19. Review status: criteria provided, single submitter. Criteria: ACMG Guidelines, 2015. Collection method: clinical testing. Allele origin: germline.
Comment: The VPS13B c.8804T>C variant is predicted to result in the amino acid substitution p.Leu2935Pro. To our knowledge, this variant has not been reported in the literature or in a large population database (gnomAD), indicating this variant is rare. At this time, the clinical significance of this variant is uncertain due to the absence of conclusive functional and genetic evidence.

Labcorp Genetics (formerly Invitae), Labcorp
Classification: Uncertain significance for Cohen syndrome. Last evaluated: 2024-08-05. Review status: criteria provided, single submitter. Criteria: Invitae Variant Classification Sherloc (09022015). Collection method: clinical testing. Allele origin: germline.
Comment: This sequence change replaces leucine, which is neutral and non-polar, with proline, which is neutral and non-polar, at codon 2960 of the VPS13B protein (p.Leu2960Pro). This variant is not present in population databases (gnomAD no frequency). This variant has not been reported in the literature in individuals affected with VPS13B-related conditions. ClinVar contains an entry for this variant (Variation ID: 2078999). Advanced modeling of protein sequence and biophysical properties (such as structural, functional, and spatial information, amino acid conservation, physicochemical variation, residue mobility, and thermodynamic stability) performed at Invitae indicates that this missense variant is expected to disrupt VPS13B protein function with a positive predictive value of 80%. In summary, the available evidence is currently insufficient to determine the role of this variant in disease. Therefore, it has been classified as a Variant of Uncertain Significance.